The following is an entry in ClinVar:

NM_000287.4(PEX6):c.475G>C (p.Glu159Gln)

Gene: PEX6 (peroxisomal biogenesis factor 6; minus strand). Cytogenetic location: 6p21.1.
Variant type: single nucleotide variant.
Coding change: c.475G>C on transcript NM_000287.4 (MANE Select); coding-DNA position 475, G replaced by C.
Protein change: p.Glu159Gln; replaces glutamic acid 159 with glutamine.
Molecular consequence: missense variant. On other transcripts: non-coding transcript variant (1).
Genome position (GRCh38, 1-based): chr6:42,978,676, C>G on the plus strand (G>C on the coding strand, the complement: PEX6 is on the minus strand). VCF-style: chr6-42978676-C-G. GRCh37 (hg19) VCF-style: chr6-42946414-C-G.
Other names: c.475G>C, p.Glu159Gln (NM_001316313.2); short protein forms E159Q.
Identifiers: ClinVar variation 1486999 (VCV001486999.6), dbSNP rs991248029, ClinGen allele CA138238220.
Genomic context (GRCh38, chr6:42,978,676, plus strand): 5'-GGGGTGGGGGCCGACTGCTGTCCCCAGACTCTGGACACAGTCTGGCCCGCCCGCGGAGCT[C>G]AGTCACAGCCAGCCGAGTCCCTGGGCCCAGCAGCCCTTGCAACGCCGGCCGCGTCTCCAG-3'
Protein context (NP_000278.3, residues 149-169): LGPGTRLAVT[Glu159Gln]LRGRARLCPE

ClinVar aggregate classification (germline): Uncertain significance (1 of 4 stars; one submission).

Conditions:
Peroxisome biogenesis disorder. Identifiers: Orphanet 79189, MedGen C1832200, MONDO:0019234. Disease mechanism: loss of function.

Allele frequency attached by ClinVar (database versions not stated): gnomAD exomes below 0.00001.
gnomAD v4.1: 6 of 1,556,884 alleles (0.00039%); highest among the groups gnomAD compares: Non-Finnish European, 0.00052%; no homozygotes.

Submission:

Labcorp Genetics (formerly Invitae), Labcorp
Classification: Uncertain significance for Peroxisome biogenesis disorder. Last evaluated: 2021-11-09. Review status: criteria provided, single submitter. Criteria: Invitae Variant Classification Sherloc (09022015). Collection method: clinical testing. Allele origin: germline.
Comment: This sequence change replaces glutamic acid, which is acidic and polar, with glutamine, which is neutral and polar, at codon 159 of the PEX6 protein (p.Glu159Gln). In summary, the available evidence is currently insufficient to determine the role of this variant in disease. Therefore, it has been classified as a Variant of Uncertain Significance. Algorithms developed to predict the effect of missense changes on protein structure and function are either unavailable or do not agree on the potential impact of this missense change (SIFT: "Tolerated"; PolyPhen-2: "Probably Damaging"; Align-GVGD: "Class C0"). This variant has not been reported in the literature in individuals affected with PEX6-related conditions. This variant is not present in population databases (gnomAD no frequency).